The following is an entry in ClinVar:

ClinVar aggregate classification (germline): Uncertain significance (1 of 4 stars; one submission).

Conditions:
Hereditary cancer-predisposing syndrome. Also called: Tumor predisposition; Hereditary neoplastic syndrome; Hereditary Cancer Syndrome; Neoplastic Syndromes, Hereditary. Identifiers: Orphanet 140162, MedGen C0027672, MeSH D009386, MONDO:0015356.

Submission:

Ambry Genetics
Classification: Uncertain significance for Hereditary cancer-predisposing syndrome. Last evaluated: 2025-03-28. Review status: criteria provided, single submitter. Criteria: Ambry Variant Classification Scheme 2023. Collection method: clinical testing. Allele origin: germline.
Comment: The p.I1812F variant (also known as c.5434A>T), located in coding exon 40 of the POLE gene, results from an A to T substitution at nucleotide position 5434. The isoleucine at codon 1812 is replaced by phenylalanine, an amino acid with highly similar properties. This amino acid position is poorly conserved in available vertebrate species. In addition, this alteration is predicted to be tolerated by in silico analysis. Based on the available evidence, the clinical significance of this variant remains unclear.

NM_006231.4(POLE):c.5434A>T (p.Ile1812Phe)

Gene: POLE (DNA polymerase epsilon, catalytic subunit; minus strand). Cytogenetic location: 12q24.33.
Variant type: single nucleotide variant.
Coding change: c.5434A>T on transcript NM_006231.4 (MANE Select); coding-DNA position 5434, A replaced by T.
Protein change: p.Ile1812Phe; replaces isoleucine 1812 with phenylalanine.
Molecular consequence: missense variant.
Genome position (GRCh38, 1-based): chr12:132,639,243, T>A on the plus strand (A>T on the coding strand, the complement: POLE is on the minus strand). VCF-style: chr12-132639243-T-A. GRCh37 (hg19) VCF-style: chr12-133215829-T-A.
Other names: short protein forms I1812F.
Identifiers: ClinVar variation 3935630 (VCV003935630.1).